The following is an entry in ClinVar:

ClinVar aggregate classification (germline): Pathogenic/Likely pathogenic. Review status: criteria provided, multiple submitters, no conflicts (2 of 4 stars). 3 submissions from 3 submitters: Pathogenic (1); Likely pathogenic (2). Last evaluated 2025-12-01.

Conditions:
Dyskeratosis congenita. Identifiers: Orphanet 1775, MedGen C0265965, MONDO:0015780.
Dyskeratosis congenita, autosomal recessive 5 (DKCB5). Identifiers: MedGen C3554656, MONDO:0014076, OMIM 615190.
RTEL1-related disorder. Also called: RTEL1-related condition; RTEL1-related disorders.

gnomAD v4.1: 2 of 1,612,440 alleles (0.00012%); highest among the groups gnomAD compares: Non-Finnish European, 0.000085%; no homozygotes.

Submissions (3):

Natera, Inc.
Classification: Likely pathogenic for Dyskeratosis congenita. Last evaluated: 2025-12-01. Review status: criteria provided, single submitter. Criteria: Natera Variant Classification Schema (03/2026). Collection method: clinical testing. Allele origin: germline.
Comment: The c.3112C>T variant in RTEL1 is a nonsense variant predicted to introduce a stop codon at amino acid 1038. This variant is expected to result in nonsense mediated decay, truncation, or a dysfunctional protein product. This variant is rare in the general population with a frequency below the threshold expected for the associated phenotype(s). Given the available evidence, this variant is classified as Likely Pathogenic.

Myriad Genetics, Inc.
Classification: Pathogenic for Dyskeratosis congenita, autosomal recessive 5. Last evaluated: 2025-06-04. Review status: criteria provided, single submitter. Criteria: Myriad Autosomal Dominant, Autosomal Recessive and X-Linked Classification Criteria (2023). Collection method: clinical testing. Allele origin: unknown.
Comment: NM_001283009.1(RTEL1):c.3040C>T(Q1014*) is a nonsense variant classified as pathogenic in the context of RTEL1-related disorders. Q1014* has not been observed in cases with relevant disease. Relevant functional assessments of this variant are not available in the literature. Q1014* has not been observed in referenced population frequency databases. In summary, NM_001283009.1(RTEL1):c.3040C>T(Q1014*) is a nonsense variant in a gene where loss of function is a known mechanism of disease and is predicted to disrupt protein function. Please note: this variant was assessed in the context of healthy population screening.

Blueprint Genetics
Classification: Likely pathogenic for RTEL1-related disorders. Last evaluated: 2022-06-23. Review status: criteria provided, single submitter. Criteria: ACMG Guidelines, 2015. Collection method: clinical testing. Allele origin: germline. Affected: yes. Observed: 1 variant allele.

NM_001283009.2(RTEL1):c.3040C>T (p.Gln1014Ter)

Genes: RTEL1 (regulator of telomere elongation helicase 1; plus strand), RTEL1-TNFRSF6B (RTEL1-TNFRSF6B readthrough (NMD candidate); plus strand). Cytogenetic location: 20q13.33.
Variant type: single nucleotide variant.
Coding change: c.3040C>T on transcript NM_001283009.2 (MANE Select); coding-DNA position 3040, C replaced by T.
Protein change: p.Gln1014Ter; replaces glutamine 1014 with a stop codon.
Molecular consequence: nonsense. On other transcripts: non-coding transcript variant (1).
Genome position (GRCh38, 1-based): chr20:63,694,419, C>T. VCF-style: chr20-63694419-C-T. GRCh37 (hg19) VCF-style: chr20-62325772-C-T.
Other names: c.2371C>T, p.Gln791Ter (NM_001283010.1); c.3040C>T, p.Gln1014Ter (NM_016434.4); c.3112C>T, p.Gln1038Ter (NM_032957.5); c.3112C>T (NM_032957.4); short protein forms Q1014*, Q1038*, Q791*.
Identifiers: ClinVar variation 4081779 (VCV004081779.3).